The following is an entry in ClinVar:

ClinVar aggregate classification (germline): Likely benign (1 of 4 stars; one submission).

Allele frequency attached by ClinVar (database versions not stated): gnomAD exomes below 0.00001; 1000 Genomes Project 0.00106.
gnomAD v4.1: 3 of 1,060,623 alleles (0.00028%); highest among the groups gnomAD compares: South Asian, 0.0019%; no homozygotes.

Submission:

CeGaT Center for Human Genetics Tuebingen
Classification: Likely benign. Last evaluated: 2023-05-01. Review status: criteria provided, single submitter. Criteria: CeGaT Center For Human Genetics Tuebingen Variant Classification Criteria Version 2. Collection method: clinical testing. Allele origin: germline. Affected: yes. Observed: 1 variant allele.
Comment: AMOT: PM2:Supporting, BP4, BP7

NM_001113490.2(AMOT):c.2751T>C (p.Ala917=)

Gene: AMOT (angiomotin; minus strand). Cytogenetic location: Xq23.
Variant type: single nucleotide variant.
Coding change: c.2751T>C on transcript NM_001113490.2 (MANE Select); coding-DNA position 2751, T replaced by C.
Protein change: p.Ala917=; no amino-acid change (alanine 917 retained).
Molecular consequence: synonymous variant.
Genome position (GRCh38, 1-based): chrX:112,779,403, A>G on the plus strand (T>C on the coding strand, the complement: AMOT is on the minus strand). VCF-style: chrX-112779403-A-G. GRCh37 (hg19) VCF-style: chrX-112022631-A-G.
Other names: c.2751T>C, p.Ala917= (NM_001386998.1, NM_001386999.1); c.1524T>C, p.Ala508= (NM_133265.5).
Identifiers: ClinVar variation 2661223 (VCV002661223.24), dbSNP rs760467274, ClinGen allele CA334531387.